The following is an entry in ClinVar:

NM_000535.7(PMS2):c.564dup (p.His189fs)

Gene: PMS2 (PMS1 homolog 2, mismatch repair system component; minus strand). Cytogenetic location: 7p22.1.
Variant type: Duplication.
Coding change: c.564dup on transcript NM_000535.7 (MANE Select); coding-DNA position 564, one base duplicated (A; older notation c.564dupA).
Protein change: p.His189fs; shifts the reading frame from histidine 189.
Molecular consequence: frameshift variant. On other transcripts: intron variant (3), non-coding transcript variant (1).
Genome position (GRCh38, 1-based): chr7:5,999,249, T duplicated on the plus strand (A on the coding strand, the reverse complement: PMS2 is on the minus strand). VCF-style (leftmost placement, unchanged base first): chr7-5999248-G-GT. GRCh37 (hg19) VCF-style: chr7-6038879-G-GT.
Other names: c.159dup, p.His54Thrfs (NM_001018040.1, NM_001406887.1, NM_001406888.1 and 17 more transcripts); c.159dup, p.His54fs (NM_001322003.2, NM_001322004.2, NM_001322005.2 and 2 more transcripts); c.133-1826dup (NM_001322013.2); c.-347-23dup (NM_001322012.2, NM_001322011.2); c.564dup, p.His189fs (NM_001322006.2, NM_001322014.2); c.246dup, p.His83fs (NM_001322007.2, NM_001322008.2); c.255dup, p.His86fs (NM_001322015.2); c.750dup, p.His251Thrfs (NM_001406866.1); and 4 more; short protein forms H189fs, H83fs, H54fs, H86fs.
Identifiers: ClinVar variation 2098427 (VCV002098427.5), dbSNP rs1182043656, ClinGen allele CA572822766.
Genomic context (GRCh38, chr7:5,999,248, plus strand): 5'-CTTGTCCAAGCTGATTGGTGCAACTTACACGGATGCCTGCTGAAATGATACAGTATGCAT[G>GT]TAAGACCTGGACCATTTTGGCATACTCCTGTTTAAAAAACACAAACACAATATTCTACAT-3'

ClinVar aggregate classification (germline): Pathogenic/Likely pathogenic. Review status: criteria provided, multiple submitters, no conflicts (2 of 4 stars). 2 submissions from 2 submitters: Pathogenic (1); Likely pathogenic (1). Last evaluated 2024-06-24.

Conditions:
Hereditary nonpolyposis colorectal neoplasms. Identifiers: MedGen C0009405, MeSH D003123.
Lynch syndrome 4 (LYNCH4). Also called: Hereditary non-polyposis colorectal cancer, type 4; Colorectal cancer, hereditary nonpolyposis, type 4. Identifiers: Orphanet 144, MedGen C1838333, MONDO:0013699, OMIM 614337. Disease mechanism: loss of function.

Allele frequency attached by ClinVar (database versions not stated): gnomAD exomes below 0.00001.

Submissions (2):

Labcorp Genetics (formerly Invitae), Labcorp
Classification: Pathogenic for Hereditary nonpolyposis colorectal neoplasms. Last evaluated: 2024-06-24. Review status: criteria provided, single submitter. Criteria: Invitae Variant Classification Sherloc (09022015). Collection method: clinical testing. Allele origin: germline.
Comment: This sequence change creates a premature translational stop signal (p.His189Thrfs*60) in the PMS2 gene. It is expected to result in an absent or disrupted protein product. Loss-of-function variants in PMS2 are known to be pathogenic (PMID: 21376568, 24362816). This variant is present in population databases (no rsID available, gnomAD 0.003%). This premature translational stop signal has been observed in individual(s) with Lynch syndrome (PMID: 34178123). ClinVar contains an entry for this variant (Variation ID: 2098427). Algorithms developed to predict the effect of sequence changes on RNA splicing suggest that this variant may disrupt the consensus splice site. For these reasons, this variant has been classified as Pathogenic.

Baylor Genetics
Classification: Likely pathogenic for Lynch syndrome 4. Last evaluated: 2022-04-25. Review status: criteria provided, single submitter. Criteria: ACMG Guidelines, 2015. Collection method: clinical testing. Allele origin: unknown.

Literature cited by the submitters: PubMed 21376568 (cited by Labcorp Genetics (formerly Invitae), Labcorp); PubMed 24362816 (cited by Labcorp Genetics (formerly Invitae), Labcorp); PubMed 34178123 (cited by Labcorp Genetics (formerly Invitae), Labcorp).